The following is an entry in ClinVar:

ClinVar aggregate classification (germline): Uncertain significance (1 of 4 stars; one submission).

Submission:

Labcorp Genetics (formerly Invitae), Labcorp
Classification: Uncertain significance. Last evaluated: 2022-11-24. Review status: criteria provided, single submitter. Criteria: Invitae Variant Classification Sherloc (09022015). Collection method: clinical testing. Allele origin: germline.
Comment: In summary, the available evidence is currently insufficient to determine the role of this variant in disease. Therefore, it has been classified as a Variant of Uncertain Significance. Algorithms developed to predict the effect of missense changes on protein structure and function are either unavailable or do not agree on the potential impact of this missense change (SIFT: "Deleterious"; PolyPhen-2: "Benign"; Align-GVGD: "Class C0"). This variant has not been reported in the literature in individuals affected with ZNF408-related conditions. This variant is not present in population databases (gnomAD no frequency). This sequence change replaces valine, which is neutral and non-polar, with methionine, which is neutral and non-polar, at codon 197 of the ZNF408 protein (p.Val197Met).

NM_024741.3(ZNF408):c.589G>A (p.Val197Met)

Gene: ZNF408 (zinc finger protein 408; plus strand). Cytogenetic location: 11p11.2.
Variant type: single nucleotide variant.
Coding change: c.589G>A on transcript NM_024741.3 (MANE Select); coding-DNA position 589, G replaced by A.
Protein change: p.Val197Met; replaces valine 197 with methionine.
Molecular consequence: missense variant.
Genome position (GRCh38, 1-based): chr11:46,703,180, G>A. VCF-style: chr11-46703180-G-A. GRCh37 (hg19) VCF-style: chr11-46724730-G-A.
Other names: c.565G>A, p.Val189Met (NM_001184751.2); short protein forms V189M, V197M.
Identifiers: ClinVar variation 2816276 (VCV002816276.3), dbSNP rs2064723761, ClinGen allele CA380252579.